The following is an entry in ClinVar:

NM_014491.4(FOXP2):c.*1944C>T

Gene: FOXP2 (forkhead box P2; plus strand). Cytogenetic location: 7q31.1.
Variant type: single nucleotide variant.
Coding change: c.*1944C>T on transcript NM_014491.4 (MANE Select); 1944 bases downstream of the stop codon, C replaced by T.
Molecular consequence: 3 prime UTR variant. On other transcripts: non-coding transcript variant (2).
Genome position (GRCh38, 1-based): chr7:114,691,870, C>T. VCF-style: chr7-114691870-C-T. GRCh37 (hg19) VCF-style: chr7-114331925-C-T.
Other names: c.*1944C>T (NM_001172766.3, NM_148898.4, NM_148900.4).
Identifiers: ClinVar variation 358641 (VCV000358641.5), dbSNP rs142461550, ClinGen allele CA4446429.
Genomic context (GRCh38, chr7:114,691,870, plus strand): 5'-GTCAGCAAATAGAGTTAGAGAGATACCCAGTCATCTATCACACCAAATAAAAGGACATAA[C>T]GGCTTTCAAAAGGGTTTTCCCACTTACCCAAAAGGCTTTCTGAAAGCTTCTACCTCTGCA-3'

ClinVar aggregate classification (germline): Benign (1 of 4 stars; one submission).

Conditions:
Childhood apraxia of speech (SPCH1). Also called: DEVELOPMENTAL VERBAL DYSPRAXIA; Speech language disorder; FOXP2-Related Speech and Language Disorder; SPEECH AND LANGUAGE DISORDER WITH OROFACIAL DYSPRAXIA. Identifiers: Orphanet 209908, MedGen C0750927, MONDO:0011184, OMIM 602081.

Allele frequency attached by ClinVar (database versions not stated): gnomAD 0.00030 and 0.00062; gnomAD exomes 0.00158; 1000 Genomes Project 0.00379; 1000 Genomes Project 30x 0.00453; ExAC 0.00529.
gnomAD v4.1: 631 of 449,602 alleles (0.14%); highest among the groups gnomAD compares: South Asian, 0.79%; 8 homozygotes.

Submission:

Illumina Laboratory Services, Illumina
Classification: Benign for Childhood apraxia of speech. Last evaluated: 2018-01-12. Review status: criteria provided, single submitter. Criteria: ICSL Variant Classification Criteria 13 December 2019. Collection method: clinical testing. Allele origin: germline.
Comment: This variant was observed in the ICSL laboratory as part of a predisposition screen in an ostensibly healthy population. It had not been previously curated by ICSL or reported in the Human Gene Mutation Database (HGMD: prior to June 1st, 2018), and was therefore a candidate for classification through an automated scoring system. Utilizing variant allele frequency, disease prevalence and penetrance estimates, and inheritance mode, an automated score was calculated to assess if this variant is too frequent to cause the disease. Based on the score and internal cut-off values, a variant classified as benign is not then subjected to further curation. The score for this variant resulted in a classification of benign for this disease.